The following is an entry in ClinVar:

NC_000001.11:g.230704288G>T

Gene: AGT (angiotensinogen; minus strand). Cytogenetic location: 1q42.2.
Variant type: single nucleotide variant.
Genome position: GRCh38 VCF-style: chr1-230704288-G-T. GRCh37 (hg19) VCF-style: chr1-230840034-G-T.
Other names: NM_000029.3:c.1174C>A; c.1147C>A (NM_001384479.1).
Identifiers: ClinVar variation 876808 (VCV000876808.14), dbSNP rs1805090, ClinGen allele CA1448108.

ClinVar aggregate classification (germline): Conflicting classifications of pathogenicity. Review status: criteria provided, conflicting classifications (1 of 4 stars). 6 submissions from 6 submitters: Uncertain significance (4); Benign (1). 1 of the submissions does not count toward it. Last evaluated 2025-12-29.

Conditions:
Renal tubular dysgenesis of genetic origin. Also called: PRIMITIVE RENAL TUBULE SYNDROME. Identifiers: Orphanet 97369, MedGen C5681536, MONDO:0009970, OMIM 267430.
AGT-related disorder. Also called: AGT-related condition.
Renal tubular dysgenesis. Also called: Renotubular dysgenesis. Identifiers: Orphanet 3033, MedGen C0266313, MONDO:0017609, HP:0008660.

Allele frequency attached by ClinVar (database versions not stated): 1000 Genomes Project 30x 0.00109; TOPMed 0.00114; ESP Exome Variant Server 0.00146; gnomAD exomes 0.00130 and 0.00199; gnomAD 0.00131 and 0.00134; ExAC 0.00139; 1000 Genomes Project 0.00140.
gnomAD v4.1: 3,075 of 1,614,244 alleles (0.19%); highest among the groups gnomAD compares: Non-Finnish European, 0.23%; 6 homozygotes.

Submissions (6):

Labcorp Genetics (formerly Invitae), Labcorp
Classification: Benign. Last evaluated: 2025-12-29. Review status: criteria provided, single submitter. Criteria: Invitae Variant Classification Sherloc (09022015). Collection method: clinical testing. Allele origin: germline.

Blueprint Genetics
Classification: Uncertain significance. Last evaluated: 2024-11-13. Review status: criteria provided, single submitter. Criteria: ACMG Guidelines, 2015. Collection method: clinical testing. Allele origin: germline.

Department of Pathology and Laboratory Medicine, Sinai Health System
Classification: Uncertain significance for renal tubular dysgenesis of genetic origin. Last evaluated: 2023-08-29. Review status: criteria provided, single submitter. Criteria: ACMG Guidelines, 2015. Collection method: research. Allele origin: germline.

Illumina Laboratory Services, Illumina
Classification: Uncertain significance for Renal tubular dysgenesis of genetic origin. Last evaluated: 2017-04-27. Review status: criteria provided, single submitter. Criteria: ICSL Variant Classification Criteria 13 December 2019. Collection method: clinical testing. Allele origin: germline.

Breakthrough Genomics
Classification: Uncertain significance. Review status: criteria provided, single submitter. Criteria: ACMG Guidelines, 2015. Collection method: not provided. Allele origin: germline. Inheritance: Autosomal recessive inheritance. Affected: yes.

PreventionGenetics, part of Exact Sciences
Classification: Likely benign for AGT-related condition. Last evaluated: 2022-08-15. Review status: no assertion criteria provided. Collection method: clinical testing. Allele origin: germline. Not counted in ClinVar's aggregate classification.
Comment: This variant is classified as likely benign based on ACMG/AMP sequence variant interpretation guidelines (Richards et al. 2015 PMID: 25741868, with internal and published modifications).